The following is an entry in ClinVar:

ClinVar aggregate classification (germline): Uncertain significance. Review status: criteria provided, single submitter (1 of 4 stars). 2 submissions from 2 submitters: Uncertain significance (1). 1 of the submissions does not count toward it. Last evaluated 2022-02-09.

Conditions:
Achromatopsia. Also called: Rod monochromatism. Identifiers: Orphanet 49382, MedGen C0152200, MONDO:0018852, HP:0011516.

Allele frequency attached by ClinVar (database versions not stated): gnomAD exomes below 0.00001; TOPMed below 0.00001; gnomAD 0.00001.
gnomAD v4.1: 4 of 1,613,912 alleles (0.00025%); highest among the groups gnomAD compares: Admixed American, 0.0033%; no homozygotes.

Submissions (2):

Labcorp Genetics (formerly Invitae), Labcorp
Classification: Uncertain significance. Last evaluated: 2022-02-09. Review status: criteria provided, single submitter. Criteria: Invitae Variant Classification Sherloc (09022015). Collection method: clinical testing. Allele origin: germline.
Comment: This sequence change replaces glycine, which is neutral and non-polar, with arginine, which is basic and polar, at codon 684 of the CNGB3 protein (p.Gly684Arg). This variant is present in population databases (no rsID available, gnomAD 0.006%). This variant has not been reported in the literature in individuals affected with CNGB3-related conditions. ClinVar contains an entry for this variant (Variation ID: 961595). Advanced modeling of protein sequence and biophysical properties (such as structural, functional, and spatial information, amino acid conservation, physicochemical variation, residue mobility, and thermodynamic stability) performed at Invitae indicates that this missense variant is not expected to disrupt CNGB3 protein function. In summary, the available evidence is currently insufficient to determine the role of this variant in disease. Therefore, it has been classified as a Variant of Uncertain Significance.

Natera, Inc.
Classification: Uncertain significance for Achromatopsia. Last evaluated: 2020-03-17. Review status: no assertion criteria provided. Collection method: clinical testing. Allele origin: germline. Not counted in ClinVar's aggregate classification.

NM_019098.5(CNGB3):c.2050G>A (p.Gly684Arg)

Gene: CNGB3 (cyclic nucleotide gated channel subunit beta 3; minus strand). Cytogenetic location: 8q21.3.
Variant type: single nucleotide variant.
Coding change: c.2050G>A on transcript NM_019098.5 (MANE Select); coding-DNA position 2050, G replaced by A.
Protein change: p.Gly684Arg; replaces glycine 684 with arginine.
Molecular consequence: missense variant.
Genome position (GRCh38, 1-based): chr8:86,578,742, C>T on the plus strand (G>A on the coding strand, the complement: CNGB3 is on the minus strand). VCF-style: chr8-86578742-C-T. GRCh37 (hg19) VCF-style: chr8-87590970-C-T.
Other names: short protein forms G684R.
Identifiers: ClinVar variation 961595 (VCV000961595.8), dbSNP rs1488638223, ClinGen allele CA371447326.